The following is an entry in ClinVar:

ClinVar aggregate classification (germline): Likely benign (0 of 4 stars; one submission).

Conditions:
TEX15-related disorder. Also called: TEX15-related condition.

Allele frequency attached by ClinVar (database versions not stated): gnomAD exomes 0.00021; ExAC 0.00061; ESP Exome Variant Server 0.00169; 1000 Genomes Project 0.00180; 1000 Genomes Project 30x 0.00187; gnomAD 0.00219; TOPMed 0.00251.
gnomAD v4.1: 657 of 1,612,948 alleles (0.041%); highest among the groups gnomAD compares: African/African-American, 0.78%; 2 homozygotes.

Submission:

PreventionGenetics, part of Exact Sciences
Classification: Likely benign for TEX15-related condition. Last evaluated: 2019-12-12. Review status: no assertion criteria provided. Collection method: clinical testing. Allele origin: germline.
Comment: This variant is classified as likely benign based on ACMG/AMP sequence variant interpretation guidelines (Richards et al. 2015 PMID: 25741868, with internal and published modifications).

NM_001350162.2(TEX15):c.6909G>A (p.Val2303=)

Gene: TEX15 (testis expressed 15, meiosis and synapsis associated; minus strand). Cytogenetic location: 8p12.
Variant type: single nucleotide variant.
Coding change: c.6909G>A on transcript NM_001350162.2 (MANE Select); coding-DNA position 6909, G replaced by A.
Protein change: p.Val2303=; no amino-acid change (valine 2303 retained).
Molecular consequence: synonymous variant.
Genome position (GRCh38, 1-based): chr8:30,843,258, C>T on the plus strand (G>A on the coding strand, the complement: TEX15 is on the minus strand). VCF-style: chr8-30843258-C-T. GRCh37 (hg19) VCF-style: chr8-30700774-C-T.
Other names: c.5760G>A, p.Val1920= (NM_031271.3).
Identifiers: ClinVar variation 3048833 (VCV003048833.2), dbSNP rs140117011, ClinGen allele CA4702599.